The following is an entry in ClinVar:

NM_005555.4(KRT6B):c.705G>A (p.Leu235=)

Gene: KRT6B (keratin 6B; minus strand). Cytogenetic location: 12q13.13.
Variant type: single nucleotide variant.
Coding change: c.705G>A on transcript NM_005555.4 (MANE Select); coding-DNA position 705, G replaced by A.
Protein change: p.Leu235=; no amino-acid change (leucine 235 retained).
Molecular consequence: synonymous variant.
Genome position (GRCh38, 1-based): chr12:52,450,456, C>T on the plus strand (G>A on the coding strand, the complement: KRT6B is on the minus strand). VCF-style: chr12-52450456-C-T. GRCh37 (hg19) VCF-style: chr12-52844240-C-T.
Identifiers: ClinVar variation 3040572 (VCV003040572.3), dbSNP rs751621723, ClinGen allele CA6580733.

ClinVar aggregate classification (germline): Likely benign. Review status: criteria provided, single submitter (1 of 4 stars). 2 submissions from 2 submitters: Likely benign (1). 1 of the submissions does not count toward it. Last evaluated 2022-12-01.

Conditions:
KRT6B-related disorder. Also called: KRT6B-related condition.

Allele frequency attached by ClinVar (database versions not stated): ExAC 0.00001.

Submissions (2):

Blueprint Genetics
Classification: Likely benign. Last evaluated: 2022-12-01. Review status: criteria provided, single submitter. Criteria: ACMG Guidelines, 2015. Collection method: clinical testing. Allele origin: germline.

PreventionGenetics, part of Exact Sciences
Classification: Likely benign for KRT6B-related condition. Last evaluated: 2019-10-01. Review status: no assertion criteria provided. Collection method: clinical testing. Allele origin: germline. Not counted in ClinVar's aggregate classification.
Comment: This variant is classified as likely benign based on ACMG/AMP sequence variant interpretation guidelines (Richards et al. 2015 PMID: 25741868, with internal and published modifications).